The following is an entry in ClinVar:

NM_006306.4(SMC1A):c.*2389G>T

Gene: SMC1A (structural maintenance of chromosomes 1A; minus strand). Cytogenetic location: Xp11.22.
Variant type: single nucleotide variant.
Coding change: c.*2389G>T on transcript NM_006306.4 (MANE Select); 2389 bases downstream of the stop codon, G replaced by T.
Molecular consequence: 3 prime UTR variant.
Genome position (GRCh38, 1-based): chrX:53,377,714, C>A on the plus strand (G>T on the coding strand, the complement: SMC1A is on the minus strand). VCF-style: chrX-53377714-C-A. GRCh37 (hg19) VCF-style: chrX-53404635-C-A.
Other names: NC_000023.10:g.53404635C>A; c.*2389G>T (NM_001281463.1).
Identifiers: ClinVar variation 912344 (VCV000912344.5), dbSNP rs114329529, ClinGen allele CA329905928.
Genomic context (GRCh38, chrX:53,377,714, plus strand): 5'-TTTCCTTATCTGTAAAGTGGGGAGAACAGCAAAGGTGACCTTTAAAGGGCTGTGAATGAT[C>A]TAGATGCCAGCCAAATTGCTTCATATATATTTAATTTTCTCTTTGCTTCACTACTGCAAG-3'

ClinVar aggregate classification (germline): Benign (1 of 4 stars; one submission).

Conditions:
Congenital muscular hypertrophy-cerebral syndrome (CDLS2). Also called: SMC1A-Related Cornelia de Lange Syndrome; Cornelia de Lange syndrome 2. Identifiers: Orphanet 199, MedGen C1802395, MONDO:0010370, OMIM 300590.

Allele frequency attached by ClinVar (database versions not stated): gnomAD 0.00727 and 0.00775; TOPMed 0.00822; 1000 Genomes Project 0.00874; 1000 Genomes Project 30x 0.00957.

Submissions (2):

Illumina Laboratory Services, Illumina
Classification: Benign for Congenital muscular hypertrophy-cerebral syndrome. Last evaluated: 2018-01-12. Review status: criteria provided, single submitter. Criteria: ICSL Variant Classification Criteria 13 December 2019. Collection method: clinical testing. Allele origin: germline.
Comment: This variant was observed in the ICSL laboratory as part of a predisposition screen in an ostensibly healthy population. It had not been previously curated by ICSL or reported in the Human Gene Mutation Database (HGMD: prior to June 1st, 2018), and was therefore a candidate for classification through an automated scoring system. Utilizing variant allele frequency, disease prevalence and penetrance estimates, and inheritance mode, an automated score was calculated to assess if this variant is too frequent to cause the disease. Based on the score and internal cut-off values, a variant classified as benign is not then subjected to further curation. The score for this variant resulted in a classification of benign for this disease.

Dr. Peter K. Rogan Lab, Western University
No classification provided (evidence only). Condition: Sarcoma. Review status: no classification provided. Collection method: in vitro. Allele origin: not applicable. Functional consequence: retained intron. Not counted in ClinVar's aggregate classification.